The following is an entry in ClinVar:

NC_000001.10:g.(?_103484354)_(103496820_?)del

Gene: COL11A1 (collagen type XI alpha 1 chain; minus strand). Cytogenetic location: 1p21.1.
Variant type: Deletion.
Identifiers: ClinVar variation 3247923 (VCV003247923.1).

ClinVar aggregate classification (germline): Uncertain significance (1 of 4 stars; one submission).

Submission:

Labcorp Genetics (formerly Invitae), Labcorp
Classification: Uncertain significance. Last evaluated: 2023-06-07. Review status: criteria provided, single submitter. Criteria: Invitae Variant Classification Sherloc (09022015). Collection method: clinical testing. Allele origin: unknown.
Comment: This variant has not been reported in the literature in individuals affected with COL11A1-related conditions. This variant is a gross deletion of the genomic region encompassing exon(s) 5-10 of the COL11A1 gene. This variant would be expected to be in-frame, preserving the integrity of the reading frame. This variant disrupts a region of the COL11A1 protein in which other variant(s) (p.Ala247Ser) have been observed in individuals with COL11A1-related conditions (PMID: 35250876). This suggests that this is a clinically significant region of the protein, and that variants that disrupt it are likely to be disease-causing. In summary, the available evidence is currently insufficient to determine the role of this variant in disease. Therefore, it has been classified as a Variant of Uncertain Significance.

Literature cited by the submitters: PubMed 35250876.